The following is an entry in ClinVar:

NM_001378183.1(PIEZO2):c.760T>C (p.Cys254Arg)

Gene: PIEZO2 (piezo type mechanosensitive ion channel component 2; minus strand). Cytogenetic location: 18p11.22.
Variant type: single nucleotide variant.
Coding change: c.760T>C on transcript NM_001378183.1 (MANE Select); coding-DNA position 760, T replaced by C.
Protein change: p.Cys254Arg; replaces cysteine 254 with arginine.
Molecular consequence: missense variant.
Genome position (GRCh38, 1-based): chr18:10,855,510, A>G on the plus strand (T>C on the coding strand, the complement: PIEZO2 is on the minus strand). VCF-style: chr18-10855510-A-G. GRCh37 (hg19) VCF-style: chr18-10855508-A-G.
Other names: c.760T>C, p.Cys254Arg (NM_001410871.1, NM_022068.4); short protein forms C254R.
Identifiers: ClinVar variation 4681880 (VCV004681880.5).

ClinVar aggregate classification (germline): Uncertain significance (1 of 4 stars; one submission).

gnomAD v4.1: 5 of 1,537,158 alleles (0.00033%); highest among the groups gnomAD compares: Non-Finnish European, 0.00044%; no homozygotes.

Submission:

CeGaT Center for Human Genetics Tuebingen
Classification: Uncertain significance. Last evaluated: 2025-12-01. Review status: criteria provided, single submitter. Criteria: CeGaT Center For Human Genetics Tuebingen Variant Classification Criteria Version 2. Collection method: clinical testing. Allele origin: germline. Affected: yes. Observed: 1 variant allele.
Comment: PIEZO2: PM2, PM3:Supporting, PP3, PP4